The following is an entry in ClinVar:

ClinVar aggregate classification (germline): Uncertain significance (1 of 4 stars; one submission).

Submission:

Ambry Genetics
Classification: Uncertain significance. Last evaluated: 2026-09-04. Review status: criteria provided, single submitter. Criteria: Ambry Variant Classification Scheme 2023. Collection method: clinical testing. Allele origin: germline.
Comment: The p.D643G variant (also known as c.1928A>G), located in coding exon 13 of the MYOM1 gene, results from an A to G substitution at nucleotide position 1928. The aspartic acid at codon 643 is replaced by glycine, an amino acid with similar properties. This amino acid position is conserved. In addition, this alteration is predicted to be tolerated by in silico analysis. Based on the available evidence, the clinical significance of this variant remains unclear.

NM_003803.4(MYOM1):c.1928A>G (p.Asp643Gly)

Gene: MYOM1 (myomesin 1; minus strand). Cytogenetic location: 18p11.31.
Variant type: single nucleotide variant.
Coding change: c.1928A>G on transcript NM_003803.4 (MANE Select); coding-DNA position 1928, A replaced by G.
Protein change: p.Asp643Gly; replaces aspartic acid 643 with glycine.
Molecular consequence: missense variant.
Genome position (GRCh38, 1-based): chr18:3,142,036, T>C on the plus strand (A>G on the coding strand, the complement: MYOM1 is on the minus strand). VCF-style: chr18-3142036-T-C. GRCh37 (hg19) VCF-style: chr18-3142034-T-C.
Other names: c.1928A>G, p.Asp643Gly (NM_019856.2); short protein forms D643G.
Identifiers: ClinVar variation 5025287 (VCV005025287.1).